The following is an entry in ClinVar:

NM_004370.6(COL12A1):c.6916C>T (p.Pro2306Ser)

Gene: COL12A1 (collagen type XII alpha 1 chain; minus strand). Cytogenetic location: 6q13.
Variant type: single nucleotide variant.
Coding change: c.6916C>T on transcript NM_004370.6 (MANE Select); coding-DNA position 6916, C replaced by T.
Protein change: p.Pro2306Ser; replaces proline 2306 with serine.
Molecular consequence: missense variant.
Genome position (GRCh38, 1-based): chr6:75,123,360, G>A on the plus strand (C>T on the coding strand, the complement: COL12A1 is on the minus strand). VCF-style: chr6-75123360-G-A. GRCh37 (hg19) VCF-style: chr6-75833076-G-A.
Other names: c.3424C>T, p.Pro1142Ser (NM_080645.3); short protein forms P2306S, P1142S.
Identifiers: ClinVar variation 475892 (VCV000475892.9), dbSNP rs1554171436, ClinGen allele CA364728084.

ClinVar aggregate classification (germline): Uncertain significance (1 of 4 stars; one submission).

Conditions:
Ullrich congenital muscular dystrophy 2 (UCMD2). Identifiers: Orphanet 75840, MedGen C4225314, MONDO:0014654, OMIM 616470.
Bethlem myopathy 2 (BTHLM2). Identifiers: Orphanet 536516, Orphanet 610, MedGen C4225313, MONDO:0034022, OMIM 616471.

Allele frequency attached by ClinVar (database versions not stated): gnomAD exomes below 0.00001.

Submission:

Labcorp Genetics (formerly Invitae), Labcorp
Classification: Uncertain significance for Bethlem myopathy 2; Ullrich congenital muscular dystrophy 2. Last evaluated: 2023-05-22. Review status: criteria provided, single submitter. Criteria: Invitae Variant Classification Sherloc (09022015). Collection method: clinical testing. Allele origin: germline.
Comment: ClinVar contains an entry for this variant (Variation ID: 475892). This sequence change replaces proline, which is neutral and non-polar, with serine, which is neutral and polar, at codon 2306 of the COL12A1 protein (p.Pro2306Ser). This variant is not present in population databases (gnomAD no frequency). This variant has not been reported in the literature in individuals affected with COL12A1-related conditions. Advanced modeling of protein sequence and biophysical properties (such as structural, functional, and spatial information, amino acid conservation, physicochemical variation, residue mobility, and thermodynamic stability) has been performed at Invitae for this missense variant, however the output from this modeling did not meet the statistical confidence thresholds required to predict the impact of this variant on COL12A1 protein function. In summary, the available evidence is currently insufficient to determine the role of this variant in disease. Therefore, it has been classified as a Variant of Uncertain Significance.